The following is an entry in ClinVar:

NM_001458.5(FLNC):c.1549+1G>A

Gene: FLNC (filamin C; plus strand). Cytogenetic location: 7q32.1.
Variant type: single nucleotide variant.
Coding change: c.1549+1G>A on transcript NM_001458.5 (MANE Select); the canonical splice donor site of the intron after coding-DNA position 1549, G replaced by A.
Molecular consequence: splice donor variant.
Genome position (GRCh38, 1-based): chr7:128,840,161, G>A. VCF-style: chr7-128840161-G-A. GRCh37 (hg19) VCF-style: chr7-128480215-G-A.
Other names: c.1549+1G>A (NM_001127487.2).
Identifiers: ClinVar variation 2941292 (VCV002941292.3), dbSNP rs111324750, ClinGen allele CA166216211.

ClinVar aggregate classification (germline): Likely pathogenic (1 of 4 stars; one submission).

Conditions:
Hypertrophic cardiomyopathy 26. Also called: Cardiomyopathy, familial hypertrophic, 26. Identifiers: Orphanet 75249, MedGen C4310749, MONDO:0014883, OMIM 617047.
Myofibrillar myopathy 5. Also called: Filaminopathy (type); FILAMINOPATHY, AUTOSOMAL DOMINANT. Identifiers: Orphanet 171445, MedGen C1836050, MONDO:0012289, OMIM 609524.
Distal myopathy with posterior leg and anterior hand involvement. Also called: WILLIAMS DISTAL MYOPATHY. Identifiers: Orphanet 63273, MedGen C3279722, MONDO:0013550, OMIM 614065.

Submission:

Labcorp Genetics (formerly Invitae), Labcorp
Classification: Likely pathogenic for Distal myopathy with posterior leg and anterior hand involvement; Myofibrillar myopathy 5; Hypertrophic cardiomyopathy 26. Last evaluated: 2024-03-09. Review status: criteria provided, single submitter. Criteria: Invitae Variant Classification Sherloc (09022015). Collection method: clinical testing. Allele origin: germline.
Comment: This sequence change affects a donor splice site in intron 9 of the FLNC gene. It is expected to disrupt RNA splicing. Variants that disrupt the donor or acceptor splice site typically lead to a loss of protein function (PMID: 16199547), and loss-of-function variants in FLNC are known to be pathogenic (PMID: 27908349). This variant is not present in population databases (gnomAD no frequency). This variant has not been reported in the literature in individuals affected with FLNC-related conditions. Algorithms developed to predict the effect of sequence changes on RNA splicing suggest that this variant may disrupt the consensus splice site. In summary, the currently available evidence indicates that the variant is pathogenic, but additional data are needed to prove that conclusively. Therefore, this variant has been classified as Likely Pathogenic.

Literature cited by the submitters: PubMed 16199547; PubMed 27908349.